The following is an entry in ClinVar:

NM_001605.3(AARS1):c.2715T>C (p.Val905=)

Gene: AARS1 (alanyl-tRNA synthetase 1; minus strand). Cytogenetic location: 16q22.1.
Variant type: single nucleotide variant.
Coding change: c.2715T>C on transcript NM_001605.3 (MANE Select); coding-DNA position 2715, T replaced by C.
Protein change: p.Val905=; no amino-acid change (valine 905 retained).
Molecular consequence: synonymous variant.
Genome position (GRCh38, 1-based): chr16:70,253,274, A>G on the plus strand (T>C on the coding strand, the complement: AARS1 is on the minus strand). VCF-style: chr16-70253274-A-G. GRCh37 (hg19) VCF-style: chr16-70287177-A-G.
Other names: p.Val905=.
Identifiers: ClinVar variation 320325 (VCV000320325.25), dbSNP rs4081753, ClinGen allele CA8140308.

ClinVar aggregate classification (germline): Benign. Review status: criteria provided, multiple submitters, no conflicts (2 of 4 stars). 11 submissions from 10 submitters: Benign (9). 2 of the submissions do not count toward it. Last evaluated 2026-02-04.

Conditions:
Charcot-Marie-Tooth disease type 2. Also called: Charcot-Marie-Tooth type 2. Identifiers: Orphanet 64746, MedGen C0270914, MONDO:0018993.
Developmental and epileptic encephalopathy, 29 (DEE29). Also called: Epileptic encephalopathy, early infantile, 29. Identifiers: Orphanet 442835, MedGen C4225361, MONDO:0014593, OMIM 616339.
Charcot-Marie-Tooth disease axonal type 2N (CMT2N). Also called: Charcot-Marie-Tooth Neuropathy Type 2N; CHARCOT-MARIE-TOOTH DISEASE, AXONAL, AUTOSOMAL DOMINANT, TYPE 2N; CHARCOT-MARIE-TOOTH NEUROPATHY, AXONAL, TYPE 2N. Identifiers: Orphanet 228174, MedGen C2750090, MONDO:0013212, OMIM 613287.

Allele frequency attached by ClinVar (database versions not stated): ExAC 0.82410; ESP Exome Variant Server 0.84918; gnomAD 0.85431 and 0.85676; TOPMed 0.85966; 1000 Genomes Project 30x 0.87929; 1000 Genomes Project 0.88119.
gnomAD v4.1: 1,299,990 of 1,611,736 alleles (81%); highest among the groups gnomAD compares: African/African-American, 97%; 526,380 homozygotes.

Submissions (11):

Labcorp Genetics (formerly Invitae), Labcorp
Classification: Benign for Charcot-Marie-Tooth disease type 2. Last evaluated: 2026-02-04. Review status: criteria provided, single submitter. Criteria: Invitae Variant Classification Sherloc (09022015). Collection method: clinical testing. Allele origin: germline.

Blueprint Genetics
Classification: Benign. Last evaluated: 2024-11-27. Review status: criteria provided, single submitter. Criteria: ACMG Guidelines, 2015. Collection method: clinical testing. Allele origin: germline.

Unidad de Genómica Garrahan, Hospital de Pediatría Garrahan
Classification: Benign. Last evaluated: 2024-07-15. Review status: criteria provided, single submitter. Criteria: ACMG Guidelines, 2015. Collection method: clinical testing. Allele origin: germline. Affected: no. Observed: 88 variant alleles.
Comment: This variant is classified as Benign based on local population frequency. This variant was detected in 95% of patients studied in a panel designed for Epileptic and Developmental Encephalopathy and Progressive Myoclonus Epilepsy. Number of patients: 88. Only high quality variants are reported.

Mayo Clinic Laboratories, Mayo Clinic
Classification: Benign. Last evaluated: 2023-01-19. Review status: criteria provided, single submitter. Criteria: ACMG Guidelines, 2015. Collection method: clinical testing. Allele origin: germline. Observed: 2,002 variant alleles.

Genome-Nilou Lab
Classification: Benign for Charcot-Marie-Tooth disease axonal type 2N. Last evaluated: 2021-07-14. Review status: criteria provided, single submitter. Criteria: ACMG Guidelines, 2015. Collection method: clinical testing. Allele origin: germline. Affected: no.

Genome-Nilou Lab
Classification: Benign for Developmental and epileptic encephalopathy, 29. Last evaluated: 2021-07-14. Review status: criteria provided, single submitter. Criteria: ACMG Guidelines, 2015. Collection method: clinical testing. Allele origin: germline. Affected: no.

Illumina Laboratory Services, Illumina
Classification: Benign for Charcot-Marie-Tooth disease axonal type 2N. Last evaluated: 2018-01-13. Review status: criteria provided, single submitter. Criteria: ICSL Variant Classification Criteria 13 December 2019. Collection method: clinical testing. Allele origin: germline.
Comment: This variant was observed in the ICSL laboratory as part of a predisposition screen in an ostensibly healthy population. It had not been previously curated by ICSL or reported in the Human Gene Mutation Database (HGMD: prior to June 1st, 2018), and was therefore a candidate for classification through an automated scoring system. Utilizing variant allele frequency, disease prevalence and penetrance estimates, and inheritance mode, an automated score was calculated to assess if this variant is too frequent to cause the disease. Based on the score and internal cut-off values, a variant classified as benign is not then subjected to further curation. The score for this variant resulted in a classification of benign for this disease.

GeneDx
Classification: Benign. Last evaluated: 2015-03-03. Review status: criteria provided, single submitter. Criteria: GeneDx Variant Classification Process June 2021. Collection method: clinical testing. Allele origin: germline. Affected: yes.

Breakthrough Genomics
Classification: Benign. Review status: criteria provided, single submitter. Criteria: ACMG Guidelines, 2015. Collection method: not provided. Allele origin: germline. Inheritance: Autosomal recessive inheritance. Affected: yes.

Clinical Genetics, Academic Medical Center
Classification: Benign. Review status: no assertion criteria provided. Collection method: clinical testing. Allele origin: germline. Affected: yes. Study: VKGL Data-share Consensus. Not counted in ClinVar's aggregate classification.

Diagnostic Laboratory, Department of Genetics, University Medical Center Groningen
Classification: Benign for Charcot-Marie-Tooth disease axonal type 2N. Review status: no assertion criteria provided. Collection method: clinical testing. Allele origin: germline. Affected: yes. Study: VKGL Data-share Consensus. Not counted in ClinVar's aggregate classification.